The following is an entry in ClinVar:

NM_000179.3(MSH6):c.263dup (p.Cys88fs)

Gene: MSH6 (mutS homolog 6; plus strand). Cytogenetic location: 2p16.3.
Variant type: Duplication.
Coding change: c.263dup on transcript NM_000179.3 (MANE Select); coding-DNA position 263, one base duplicated (G; older notation c.263dupG).
Protein change: p.Cys88fs; shifts the reading frame from cysteine 88.
Molecular consequence: frameshift variant. On other transcripts: 5 prime UTR variant (2), intron variant (1).
Genome position (GRCh38, 1-based): chr2:47,790,929, G duplicated. VCF-style (leftmost placement, unchanged base first): chr2-47790928-T-TG. GRCh37 (hg19) VCF-style: chr2-48018067-T-TG.
Other names: c.-474dup (NM_001281493.2, NM_001406811.1, NM_001406823.1 and 1 more transcripts); c.-640dup (NM_001281494.2); c.359dup, p.Cys120Trpfs (NM_001406795.1, NM_001406802.1); c.263dup, p.Cys88Trpfs (NM_001406796.1, NM_001406798.1, NM_001406800.1 and 6 more transcripts); c.-35dup (NM_001406797.1, NM_001406801.1, NM_001406805.1 and 10 more transcripts); c.185dup, p.Cys62Trpfs (NM_001406804.1); c.-666dup (NM_001406807.1); c.-321dup (NM_001406812.1); and 4 more; short protein forms C88fs.
Identifiers: ClinVar variation 1794175 (VCV001794175.6), dbSNP rs2530431324, ClinGen allele CA2580066789.

ClinVar aggregate classification (germline): Pathogenic. Review status: criteria provided, multiple submitters, no conflicts (2 of 4 stars). 3 submissions from 3 submitters: Pathogenic (3). Last evaluated 2024-12-02.

Conditions:
Hereditary cancer-predisposing syndrome. Also called: Tumor predisposition; Hereditary Cancer Syndrome; Neoplastic Syndromes, Hereditary; Hereditary neoplastic syndrome. Identifiers: Orphanet 140162, MedGen C0027672, MeSH D009386, MONDO:0015356.
Hereditary nonpolyposis colorectal neoplasms. Identifiers: MedGen C0009405, MeSH D003123.
Lynch syndrome 5 (LYNCH5). Also called: Colorectal cancer, hereditary nonpolyposis, type 5; Hereditary non-polyposis colorectal cancer, type 5. Identifiers: Orphanet 144, MedGen C1833477, MONDO:0013710, OMIM 614350. Disease mechanism: loss of function.

Submissions (3):

Labcorp Genetics (formerly Invitae), Labcorp
Classification: Pathogenic for Hereditary nonpolyposis colorectal neoplasms. Last evaluated: 2024-12-02. Review status: criteria provided, single submitter. Criteria: Invitae Variant Classification Sherloc (09022015). Collection method: clinical testing. Allele origin: germline.
Comment: This sequence change creates a premature translational stop signal (p.Cys88Trpfs*2) in the MSH6 gene. It is expected to result in an absent or disrupted protein product. Loss-of-function variants in MSH6 are known to be pathogenic (PMID: 18269114, 24362816). This variant is not present in population databases (gnomAD no frequency). This variant has not been reported in the literature in individuals affected with MSH6-related conditions. ClinVar contains an entry for this variant (Variation ID: 1794175). For these reasons, this variant has been classified as Pathogenic.

Myriad Genetics, Inc.
Classification: Pathogenic for Lynch syndrome 5. Last evaluated: 2023-08-10. Review status: criteria provided, single submitter. Criteria: Myriad Autosomal Dominant, Autosomal Recessive and X-Linked Classification Criteria (2023). Collection method: clinical testing. Allele origin: unknown.
Comment: This variant is considered pathogenic. This variant creates a frameshift predicted to result in premature protein truncation.

Ambry Genetics
Classification: Pathogenic for Hereditary cancer-predisposing syndrome. Last evaluated: 2022-12-29. Review status: criteria provided, single submitter. Criteria: Ambry Variant Classification Scheme 2023. Collection method: clinical testing. Allele origin: germline.
Comment: The c.263dupG pathogenic mutation, located in coding exon 2 of the MSH6 gene, results from a duplication of G at nucleotide position 263, causing a translational frameshift with a predicted alternate stop codon (p.C88Wfs*2). This variant has been identified in at least one proband whose Lynch syndrome-associated tumor demonstrated loss of MSH6 expression by immunohistochemistry (Ambry internal data). This variant is considered to be rare based on population cohorts in the Genome Aggregation Database (gnomAD). This alteration is expected to result in loss of function by premature protein truncation or nonsense-mediated mRNA decay. As such, this alteration is interpreted as a disease-causing mutation.

Literature cited by the submitters: PubMed 18269114 (cited by Labcorp Genetics (formerly Invitae), Labcorp); PubMed 24362816 (cited by Labcorp Genetics (formerly Invitae), Labcorp).